The following is an entry in ClinVar:

ClinVar aggregate classification (germline): Uncertain significance (1 of 4 stars; one submission).

Conditions:
2-aminoadipic 2-oxoadipic aciduria (AAKAD). Also called: ALPHA-AMINOADIPIC AND ALPHA-KETOADIPIC ACIDURIA; Aminoadipic aciduria. Identifiers: Orphanet 79154, MedGen C1859817, MONDO:0008774, OMIM 204750.

Submission:

Labcorp Genetics (formerly Invitae), Labcorp
Classification: Uncertain significance for 2-aminoadipic 2-oxoadipic aciduria. Last evaluated: 2025-05-13. Review status: criteria provided, single submitter. Criteria: Invitae Variant Classification Sherloc (09022015). Collection method: clinical testing. Allele origin: germline.
Comment: This sequence change replaces lysine, which is basic and polar, with threonine, which is neutral and polar, at codon 857 of the DHTKD1 protein (p.Lys857Thr). This variant is not present in population databases (gnomAD no frequency). This variant has not been reported in the literature in individuals affected with DHTKD1-related conditions. An algorithm developed to predict the effect of missense changes on protein structure and function (PolyPhen-2) suggests that this variant is likely to be tolerated. In summary, the available evidence is currently insufficient to determine the role of this variant in disease. Therefore, it has been classified as a Variant of Uncertain Significance.

NM_018706.7(DHTKD1):c.2570A>C (p.Lys857Thr)

Gene: DHTKD1 (dehydrogenase E1 and transketolase domain containing 1; plus strand). Cytogenetic location: 10p14.
Variant type: single nucleotide variant.
Coding change: c.2570A>C on transcript NM_018706.7 (MANE Select); coding-DNA position 2570, A replaced by C.
Protein change: p.Lys857Thr; replaces lysine 857 with threonine.
Molecular consequence: missense variant.
Genome position (GRCh38, 1-based): chr10:12,118,916, A>C. VCF-style: chr10-12118916-A-C. GRCh37 (hg19) VCF-style: chr10-12160915-A-C.
Other names: short protein forms K857T.
Identifiers: ClinVar variation 4719466 (VCV004719466.1).
Genomic context (GRCh38, chr10:12,118,916, plus strand): 5'-AACTCTGCCCCTTCCCGTTGGATTCTTTACAGCAAGAGATGAGCAAATACAAACATGTTA[A>C]AGGTAAGAGGTTGTTCTCATTTGGGTTTTGATGTTCAGATACCCAAAACCCATTTCAGCT-3'
Protein context (NP_061176.4, residues 847-867): QQEMSKYKHV[Lys857Thr]DHIWSQEEPQ